The following is an entry in ClinVar:

ClinVar aggregate classification (germline): Uncertain significance (1 of 4 stars; one submission).

Conditions:
Hereditary cancer-predisposing syndrome. Also called: Neoplastic Syndromes, Hereditary; Tumor predisposition; Hereditary Cancer Syndrome; Hereditary neoplastic syndrome. Identifiers: Orphanet 140162, MedGen C0027672, MeSH D009386, MONDO:0015356.

Submission:

Ambry Genetics
Classification: Uncertain significance for Hereditary cancer-predisposing syndrome. Last evaluated: 2022-06-07. Review status: criteria provided, single submitter. Criteria: Ambry Variant Classification Scheme 2023. Collection method: clinical testing. Allele origin: germline.
Comment: The p.A129T variant (also known as c.385G>A), located in coding exon 5 of the POLE gene, results from a G to A substitution at nucleotide position 385. The alanine at codon 129 is replaced by threonine, an amino acid with similar properties. This amino acid position is conserved. In addition, this alteration is predicted to be tolerated by in silico analysis. Since supporting evidence is limited at this time, the clinical significance of this alteration remains unclear.

NM_006231.4(POLE):c.385G>A (p.Ala129Thr)

Gene: POLE (DNA polymerase epsilon, catalytic subunit; minus strand). Cytogenetic location: 12q24.33.
Variant type: single nucleotide variant.
Coding change: c.385G>A on transcript NM_006231.4 (MANE Select); coding-DNA position 385, G replaced by A.
Protein change: p.Ala129Thr; replaces alanine 129 with threonine.
Molecular consequence: missense variant.
Genome position (GRCh38, 1-based): chr12:132,679,992, C>T on the plus strand (G>A on the coding strand, the complement: POLE is on the minus strand). VCF-style: chr12-132679992-C-T. GRCh37 (hg19) VCF-style: chr12-133256578-C-T.
Other names: short protein forms A129T.
Identifiers: ClinVar variation 1735593 (VCV001735593.2), dbSNP rs2542190486, ClinGen allele CA387368077.
Genomic context (GRCh38, chr12:132,679,992, plus strand): 5'-GGAAAGTCTGGGTGATACTCACCAAGTCCAGATCCTCTTTGGGGACAGTCTCCACTTTTG[C>T]AATTTTGCCCTGAAACTTCTTGGAGAGAAAAGATGAAACTTCTCGCTCACAACCCTAATC-3'
Protein context (NP_006222.2, residues 119-139): FLSKKFQGKI[Ala129Thr]KVETVPKEDL